The following is an entry in ClinVar:

NM_012301.4(MAGI2):c.2135C>A (p.Ala712Asp)

Gene: MAGI2 (membrane associated guanylate kinase, WW and PDZ domain containing 2; minus strand). Cytogenetic location: 7q21.11.
Variant type: single nucleotide variant.
Coding change: c.2135C>A on transcript NM_012301.4 (MANE Select); coding-DNA position 2135, C replaced by A.
Protein change: p.Ala712Asp; replaces alanine 712 with aspartic acid.
Molecular consequence: missense variant.
Genome position (GRCh38, 1-based): chr7:78,195,008, G>T on the plus strand (C>A on the coding strand, the complement: MAGI2 is on the minus strand). VCF-style: chr7-78195008-G-T. GRCh37 (hg19) VCF-style: chr7-77824325-G-T.
Other names: c.2135C>A, p.Ala712Asp (NM_001301128.2); short protein forms A712D.
Identifiers: ClinVar variation 1951815 (VCV001951815.5), dbSNP rs2535284397, ClinGen allele CA367851691.

ClinVar aggregate classification (germline): Uncertain significance (1 of 4 stars; one submission).

Allele frequency attached by ClinVar (database versions not stated): gnomAD exomes below 0.00001.
gnomAD v4.1: 1 of 1,613,892 alleles (0.000062%); highest among the groups gnomAD compares: Non-Finnish European, 0.000085%; no homozygotes.

Submission:

Labcorp Genetics (formerly Invitae), Labcorp
Classification: Uncertain significance. Last evaluated: 2022-06-26. Review status: criteria provided, single submitter. Criteria: Invitae Variant Classification Sherloc (09022015). Collection method: clinical testing. Allele origin: germline.
Comment: This variant is not present in population databases (gnomAD no frequency). This variant has not been reported in the literature in individuals affected with MAGI2-related conditions. Algorithms developed to predict the effect of missense changes on protein structure and function are either unavailable or do not agree on the potential impact of this missense change (SIFT: "Deleterious"; PolyPhen-2: "Benign"; Align-GVGD: "Class C65"). In summary, the available evidence is currently insufficient to determine the role of this variant in disease. Therefore, it has been classified as a Variant of Uncertain Significance. This sequence change replaces alanine, which is neutral and non-polar, with aspartic acid, which is acidic and polar, at codon 712 of the MAGI2 protein (p.Ala712Asp).